The following is an entry in ClinVar:

NM_001040142.2(SCN2A):c.5180G>T (p.Gly1727Val)

Gene: SCN2A (sodium voltage-gated channel alpha subunit 2; plus strand). Cytogenetic location: 2q24.3.
Variant type: single nucleotide variant.
Coding change: c.5180G>T on transcript NM_001040142.2 (MANE Select); coding-DNA position 5180, G replaced by T.
Protein change: p.Gly1727Val; replaces glycine 1727 with valine.
Molecular consequence: missense variant.
Genome position (GRCh38, 1-based): chr2:165,388,986, G>T. VCF-style: chr2-165388986-G-T. GRCh37 (hg19) VCF-style: chr2-166245496-G-T.
Other names: c.5180G>T, p.Gly1727Val (NM_001040143.2, NM_001371246.1, NM_001371247.1 and 1 more transcripts); short protein forms G1727V.
Identifiers: ClinVar variation 1037727 (VCV001037727.9), dbSNP rs1702017827, ClinGen allele CA349038386.
Genomic context (GRCh38, chr2:165,388,986, plus strand): 5'-TGTTCCAAATTACAACCTCTGCTGGCTGGGATGGATTGCTAGCACCTATTCTTAATAGTG[G>T]ACCTCCAGACTGTGACCCTGACAAAGATCACCCTGGAAGCTCAGTTAAAGGAGACTGTGG-3'
Protein context (NP_001035232.1, residues 1717-1737): DGLLAPILNS[Gly1727Val]PPDCDPDKDH

ClinVar aggregate classification (germline): Uncertain significance (1 of 4 stars; one submission).

Conditions:
Developmental and epileptic encephalopathy, 11 (DEE11). Also called: Early infantile epileptic encephalopathy 11. Identifiers: Orphanet 1934, MedGen C3150987, MONDO:0013388, OMIM 613721.
Seizures, benign familial infantile, 3 (BFIS3). Also called: CONVULSIONS, BENIGN FAMILIAL INFANTILE, 3; Familial neonatal seizures. Identifiers: Orphanet 140927, Orphanet 306, MedGen C1843140, MONDO:0011904, OMIM 607745.

Submission:

Labcorp Genetics (formerly Invitae), Labcorp
Classification: Uncertain significance for Seizures, benign familial infantile, 3; Developmental and epileptic encephalopathy, 11. Last evaluated: 2022-08-22. Review status: criteria provided, single submitter. Criteria: Invitae Variant Classification Sherloc (09022015). Collection method: clinical testing. Allele origin: germline.
Comment: This variant has not been reported in the literature in individuals affected with SCN2A-related conditions. In summary, the available evidence is currently insufficient to determine the role of this variant in disease. Therefore, it has been classified as a Variant of Uncertain Significance. Algorithms developed to predict the effect of missense changes on protein structure and function are either unavailable or do not agree on the potential impact of this missense change (SIFT: "Deleterious"; PolyPhen-2: "Benign"; Align-GVGD: "Class C15"). ClinVar contains an entry for this variant (Variation ID: 1037727). This variant is not present in population databases (gnomAD no frequency). This sequence change replaces glycine, which is neutral and non-polar, with valine, which is neutral and non-polar, at codon 1727 of the SCN2A protein (p.Gly1727Val).